The following is an entry in ClinVar:

ClinVar aggregate classification (germline): Uncertain significance (1 of 4 stars; one submission).

Conditions:
X-linked complex neurodevelopmental disorder. Identifiers: MedGen CN294807, MONDO:0100148.

Submission:

Victorian Clinical Genetics Services, Murdoch Childrens Research Institute
Classification: Uncertain significance for X-linked complex neurodevelopmental disorder. Last evaluated: 2023-07-16. Review status: criteria provided, single submitter. Criteria: ACMG Guidelines, 2015. Collection method: clinical testing. Allele origin: germline. Inheritance: X-linked recessive inheritance. Affected: yes.
Comment: Based on the classification scheme VCGS_Germline_v1.3.4, this variant is classified as VUS-3A. Following criteria are met: 0105 - The mechanism of disease for this gene is not clearly established. (I) 0109 - This gene is associated with X-linked recessive disease. (I) 0115 - Variants in this gene are known to have variable expressivity (PMID: 31184401). (I) 0200 - Variant is predicted to result in a missense amino acid change from tyrosine to phenylalanine. (I) 0253 - This variant is hemizygous. (I) 0301 - Variant is absent from gnomAD (both v2 and v3). (SP) 0502 - Missense variant with conflicting in silico predictions and uninformative conservation. (I) 0603 - Missense variant in a region that is highly intolerant to missense variation (high constraint region in DECIPHER). (SP) 0705 - No comparable missense variants have previous evidence for pathogenicity. (I) 0807 - This variant has no previous evidence of pathogenicity. (I) 0905 - No published segregation evidence has been identified for this variant. (I) 1007 - No published functional evidence has been identified for this variant. (I) Legend: (SP) - Supporting pathogenic, (I) - Information, (SB) - Supporting benign

Literature cited by the submitters: PubMed 31184401.

NM_181303.2(NLGN3):c.1373A>T (p.Tyr458Phe)

Gene: NLGN3 (neuroligin 3; plus strand). Cytogenetic location: Xq13.1.
Variant type: single nucleotide variant.
Coding change: c.1373A>T on transcript NM_181303.2 (MANE Select); coding-DNA position 1373, A replaced by T.
Protein change: p.Tyr458Phe; replaces tyrosine 458 with phenylalanine.
Molecular consequence: missense variant.
Genome position (GRCh38, 1-based): chrX:71,167,470, A>T. VCF-style: chrX-71167470-A-T. GRCh37 (hg19) VCF-style: chrX-70387320-A-T.
Other names: c.1253A>T, p.Tyr418Phe (NM_001166660.2); c.962A>T, p.Tyr321Phe (NM_001321276.2); c.1313A>T, p.Tyr438Phe (NM_018977.4); short protein forms Y321F, Y418F, Y438F, Y458F.
Identifiers: ClinVar variation 3376624 (VCV003376624.1).